The following is an entry in ClinVar:

ClinVar aggregate classification (germline): Uncertain significance. Review status: criteria provided, multiple submitters, no conflicts (2 of 4 stars). 2 submissions from 2 submitters: Uncertain significance (2). Last evaluated 2021-04-24.

Conditions:
Autoimmune lymphoproliferative syndrome, type III caused by mutation in PRKCD. Identifiers: Orphanet 3261, Orphanet 664711, MedGen C3809928, MONDO:8000024, OMIM 615559.

Allele frequency attached by ClinVar (database versions not stated): ExAC 0.00001; gnomAD exomes 0.00001.
gnomAD v4.1: 1 of 1,614,156 alleles (0.000062%); no homozygotes.

Submissions (2):

Labcorp Genetics (formerly Invitae), Labcorp
Classification: Uncertain significance for Autoimmune lymphoproliferative syndrome, type III caused by mutation in PRKCD. Last evaluated: 2021-04-24. Review status: criteria provided, single submitter. Criteria: Invitae Variant Classification Sherloc (09022015). Collection method: clinical testing. Allele origin: germline.
Comment: This sequence change replaces glycine with tryptophan at codon 501 of the PRKCD protein (p.Gly501Trp). The glycine residue is highly conserved and there is a large physicochemical difference between glycine and tryptophan. This variant is present in population databases (rs782726901, ExAC 0.01%). This variant has not been reported in the literature in individuals with PRKCD-related conditions. Algorithms developed to predict the effect of missense changes on protein structure and function (SIFT, PolyPhen-2, Align-GVGD) all suggest that this variant is likely to be disruptive, but these predictions have not been confirmed by published functional studies and their clinical significance is uncertain. In summary, the available evidence is currently insufficient to determine the role of this variant in disease. Therefore, it has been classified as a Variant of Uncertain Significance.

Blueprint Genetics
Classification: Uncertain significance. Last evaluated: 2019-12-03. Review status: criteria provided, single submitter. Criteria: ACMG Guidelines, 2015. Collection method: clinical testing. Allele origin: germline.

NM_006254.4(PRKCD):c.1501G>T (p.Gly501Trp)

Gene: PRKCD (protein kinase C delta; plus strand). Cytogenetic location: 3p21.1.
Variant type: single nucleotide variant.
Coding change: c.1501G>T on transcript NM_006254.4 (MANE Select); coding-DNA position 1501, G replaced by T.
Protein change: p.Gly501Trp; replaces glycine 501 with tryptophan.
Molecular consequence: missense variant.
Genome position (GRCh38, 1-based): chr3:53,188,805, G>T. VCF-style: chr3-53188805-G-T. GRCh37 (hg19) VCF-style: chr3-53222821-G-T.
Other names: c.1501G>T, p.Gly501Trp (NM_001316327.2, NM_001354679.2, NM_001354680.2 and 1 more transcripts); c.1558G>T, p.Gly520Trp (NM_001354676.2); c.1549G>T, p.Gly517Trp (NM_001354678.2); short protein forms G501W, G517W, G520W.
Identifiers: ClinVar variation 1348242 (VCV001348242.8), dbSNP rs782726901, ClinGen allele CA2452205.